The following is an entry in ClinVar:

ClinVar aggregate classification (germline): Pathogenic (1 of 4 stars; one submission).

Conditions:
Cohen syndrome (COH1). Also called: Cutis verticis gyrata, retinitis pigmentosa, and sensorineural deafness; PEPPER SYNDROME. Identifiers: Orphanet 193, MedGen C0265223, MONDO:0008999, OMIM 216550.

Submission:

Labcorp Genetics (formerly Invitae), Labcorp
Classification: Pathogenic for Cohen syndrome. Last evaluated: 2021-06-27. Review status: criteria provided, single submitter. Criteria: Invitae Variant Classification Sherloc (09022015). Collection method: clinical testing. Allele origin: germline.
Comment: This variant has been observed in individual(s) with clinical features of Cohen syndrome (PMID: 20461111). In at least one individual the data is consistent with the variant being in trans (on the opposite chromosome) from a pathogenic variant. Algorithms developed to predict the effect of sequence changes on RNA splicing suggest that this variant may disrupt the consensus splice site, but this prediction has not been confirmed by published transcriptional studies. For these reasons, this variant has been classified as Pathogenic. This variant is not present in population databases (ExAC no frequency). This sequence change affects an acceptor splice site in intron 4 of the VPS13B gene. It is expected to disrupt RNA splicing. Variants that disrupt the donor or acceptor splice site typically lead to a loss of protein function (PMID: 16199547), and loss-of-function variants in VPS13B are known to be pathogenic (PMID: 15141358, 16648375, 20461111).

Literature cited by the submitters: PubMed 20461111; PubMed 16199547; PubMed 15141358; PubMed 16648375.

NM_152564.5(VPS13B):c.413-2A>G

Gene: VPS13B (vacuolar protein sorting 13 homolog B; plus strand). Cytogenetic location: 8q22.2.
Variant type: single nucleotide variant.
Coding change: c.413-2A>G on transcript NM_152564.5 (MANE Select); the canonical splice acceptor site of the intron before coding-DNA position 413, A replaced by G.
Molecular consequence: splice acceptor variant.
Genome position (GRCh38, 1-based): chr8:99,102,951, A>G. VCF-style: chr8-99102951-A-G. GRCh37 (hg19) VCF-style: chr8-100115179-A-G.
Other names: c.413-2A>G (NM_017890.5, NM_015243.3, NM_181661.3).
Identifiers: ClinVar variation 1452154 (VCV001452154.8), dbSNP rs2132453775, ClinGen allele CA371859203.